The following is an entry in ClinVar:

ClinVar aggregate classification (germline): Benign/Likely benign. Review status: criteria provided, multiple submitters, no conflicts (2 of 4 stars). 3 submissions from 3 submitters: Benign (1); Likely benign (2). Last evaluated 2024-09-09.

Conditions:
Hereditary cancer-predisposing syndrome. Also called: Neoplastic Syndromes, Hereditary; Hereditary Cancer Syndrome; Tumor predisposition; Hereditary neoplastic syndrome. Identifiers: Orphanet 140162, MedGen C0027672, MeSH D009386, MONDO:0015356.
Familial cancer of breast. Also called: BREAST CANCER, FAMILIAL; Hereditary breast cancer; hereditary breast carcinoma. Identifiers: Orphanet 227535, MedGen C0346153, MONDO:0016419, OMIM 114480. Disease mechanism: loss of function.
Fanconi anemia complementation group J. Also called: BRIP1-Related Fanconi Anemia. Identifiers: Orphanet 84, MedGen C1836860, MONDO:0012187, OMIM 609054.

Submissions (3):

Myriad Genetics, Inc.
Classification: Benign for Familial cancer of breast. Last evaluated: 2024-09-09. Review status: criteria provided, single submitter. Criteria: Myriad Autosomal Dominant, Autosomal Recessive and X-Linked Classification Criteria (2023). Collection method: clinical testing. Allele origin: unknown.
Comment: This variant is considered benign. This variant is a silent/synonymous amino acid change and it is not expected to impact splicing.

Labcorp Genetics (formerly Invitae), Labcorp
Classification: Likely benign for Familial cancer of breast; Fanconi anemia complementation group J. Last evaluated: 2023-06-09. Review status: criteria provided, single submitter. Criteria: Invitae Variant Classification Sherloc (09022015). Collection method: clinical testing. Allele origin: germline.

Ambry Genetics
Classification: Likely benign for Hereditary cancer-predisposing syndrome. Last evaluated: 2020-10-25. Review status: criteria provided, single submitter. Criteria: Ambry Variant Classification Scheme 2023. Collection method: clinical testing. Allele origin: germline.

NM_032043.3(BRIP1):c.2940A>C (p.Ala980=)

Gene: BRIP1 (BRCA1 interacting DNA helicase 1; minus strand). Cytogenetic location: 17q23.2.
Variant type: single nucleotide variant.
Coding change: c.2940A>C on transcript NM_032043.3 (MANE Select); coding-DNA position 2940, A replaced by C.
Protein change: p.Ala980=; no amino-acid change (alanine 980 retained).
Molecular consequence: synonymous variant.
Genome position (GRCh38, 1-based): chr17:61,684,106, T>G on the plus strand (A>C on the coding strand, the complement: BRIP1 is on the minus strand). VCF-style: chr17-61684106-T-G. GRCh37 (hg19) VCF-style: chr17-59761467-T-G.
Identifiers: ClinVar variation 794966 (VCV000794966.14), dbSNP rs1603275683, ClinGen allele CA501143311.